The following is an entry in ClinVar:

ClinVar aggregate classification (germline): Uncertain significance (1 of 4 stars; one submission).

Submission:

Ambry Genetics
Classification: Uncertain significance. Last evaluated: 2025-09-26. Review status: criteria provided, single submitter. Criteria: Ambry Variant Classification Scheme 2023. Collection method: clinical testing. Allele origin: germline.
Comment: The p.R153L variant (also known as c.458G>T), located in coding exon 1 of the CDK12 gene, results from a G to T substitution at nucleotide position 458. The arginine at codon 153 is replaced by leucine, an amino acid with dissimilar properties. This amino acid position is conserved. In addition, the in silico prediction for this alteration is inconclusive. Based on the available evidence, the clinical significance of this variant remains unclear.

NM_016507.4(CDK12):c.458G>T (p.Arg153Leu)

Genes: CDK12 (cyclin dependent kinase 12; plus strand), LOC126862553 (CDK7 strongly-dependent group 2 enhancer GRCh37_chr17:37618166-37619365; plus strand). Cytogenetic location: 17q12.
Variant type: single nucleotide variant.
Coding change: c.458G>T on transcript NM_016507.4 (MANE Select); coding-DNA position 458, G replaced by T.
Protein change: p.Arg153Leu; replaces arginine 153 with leucine.
Molecular consequence: missense variant.
Genome position (GRCh38, 1-based): chr17:39,462,529, G>T. VCF-style: chr17-39462529-G-T. GRCh37 (hg19) VCF-style: chr17-37618782-G-T.
Other names: c.458G>T, p.Arg153Leu (NM_015083.4); short protein forms R153L.
Identifiers: ClinVar variation 4651335 (VCV004651335.1).